The following is an entry in ClinVar:

ClinVar aggregate classification (germline): Benign (1 of 4 stars; one submission).

Allele frequency attached by ClinVar (database versions not stated): 1000 Genomes Project 0.00459; 1000 Genomes Project 30x 0.00468.

Submission:

CeGaT Center for Human Genetics Tuebingen
Classification: Benign. Last evaluated: 2023-07-01. Review status: criteria provided, single submitter. Criteria: CeGaT Center For Human Genetics Tuebingen Variant Classification Criteria Version 2. Collection method: clinical testing. Allele origin: germline. Affected: yes. Observed: 28 variant alleles.
Comment: ZEB2: BS1, BS2

NM_014795.4(ZEB2):c.*2518G>T

Gene: ZEB2 (zinc finger E-box binding homeobox 2; minus strand). Cytogenetic location: 2q22.3.
Variant type: single nucleotide variant.
Coding change: c.*2518G>T on transcript NM_014795.4 (MANE Select); 2518 bases downstream of the stop codon, G replaced by T.
Molecular consequence: 3 prime UTR variant.
Genome position (GRCh38, 1-based): chr2:144,386,933, C>A on the plus strand (G>T on the coding strand, the complement: ZEB2 is on the minus strand). VCF-style: chr2-144386933-C-A. GRCh37 (hg19) VCF-style: chr2-145144500-C-A.
Other names: c.*2518G>T (NM_001171653.2).
Identifiers: ClinVar variation 1694965 (VCV001694965.31), dbSNP rs138683759, ClinGen allele CA10610809.